The following is an entry in ClinVar:

ClinVar aggregate classification (germline): Likely pathogenic (1 of 4 stars; one submission).

Conditions:
Acyl-CoA oxidase deficiency. Also called: Peroxisomal acyl-CoA oxidase deficiency; STRAIGHT-CHAIN ACYL-CoA OXIDASE DEFICIENCY; Pseudoneonatal adrenoleukodystrophy. Identifiers: Orphanet 2971, MedGen C1849678, MONDO:0009919, OMIM 264470. Disease mechanism: loss of function.

Submission:

Labcorp Genetics (formerly Invitae), Labcorp
Classification: Likely pathogenic for Acyl-CoA oxidase deficiency. Last evaluated: 2021-09-20. Review status: criteria provided, single submitter. Criteria: Invitae Variant Classification Sherloc (09022015). Collection method: clinical testing. Allele origin: germline.
Comment: In summary, the currently available evidence indicates that the variant is pathogenic, but additional data are needed to prove that conclusively. Therefore, this variant has been classified as Likely Pathogenic. Algorithms developed to predict the effect of sequence changes on RNA splicing suggest that this variant may disrupt the consensus splice site. This variant has not been reported in the literature in individuals affected with ACOX1-related conditions. This variant is not present in population databases (ExAC no frequency). This sequence change affects an acceptor splice site in intron 1 of the ACOX1 gene. It is expected to disrupt RNA splicing. Variants that disrupt the donor or acceptor splice site typically lead to a loss of protein function (PMID: 16199547), and loss-of-function variants in ACOX1 are known to be pathogenic (PMID: 8040306, 17458872).

Literature cited by the submitters: PubMed 16199547; PubMed 8040306; PubMed 17458872.

NM_004035.7(ACOX1):c.110-2A>G

Gene: ACOX1 (acyl-CoA oxidase 1; minus strand). Cytogenetic location: 17q25.1.
Variant type: single nucleotide variant.
Coding change: c.110-2A>G on transcript NM_004035.7 (MANE Select); the canonical splice acceptor site of the intron before coding-DNA position 110, A replaced by G.
Molecular consequence: splice acceptor variant.
Genome position (GRCh38, 1-based): chr17:75,978,695, T>C on the plus strand (A>G on the coding strand, the complement: ACOX1 is on the minus strand). VCF-style: chr17-75978695-T-C. GRCh37 (hg19) VCF-style: chr17-73974776-T-C.
Other names: c.110-2A>G (NM_007292.6); c.-5-2A>G (NM_001185039.2).
Identifiers: ClinVar variation 1482732 (VCV001482732.6), dbSNP rs2144330766, ClinGen allele CA401084113.